The following is an entry in ClinVar:

NM_001183.6(ATP6AP1):c.394G>A (p.Val132Met)

Gene: ATP6AP1 (ATPase H+ transporting accessory protein 1; plus strand). Cytogenetic location: Xq28.
Variant type: single nucleotide variant.
Coding change: c.394G>A on transcript NM_001183.6 (MANE Select); coding-DNA position 394, G replaced by A.
Protein change: p.Val132Met; replaces valine 132 with methionine.
Molecular consequence: missense variant.
Genome position (GRCh38, 1-based): chrX:154,432,296, G>A. VCF-style: chrX-154432296-G-A. GRCh37 (hg19) VCF-style: chrX-153660642-G-A.
Other names: short protein forms V132M.
Identifiers: ClinVar variation 2855560 (VCV002855560.3), dbSNP rs2523017499, ClinGen allele CA415189321.

ClinVar aggregate classification (germline): Uncertain significance (1 of 4 stars; one submission).

Allele frequency attached by ClinVar (database versions not stated): gnomAD exomes 0.00001.
gnomAD v4.1: 3 of 1,209,386 alleles (0.00025%); highest among the groups gnomAD compares: Non-Finnish European, 0.00034%; no homozygotes.

Submission:

Labcorp Genetics (formerly Invitae), Labcorp
Classification: Uncertain significance. Last evaluated: 2023-05-15. Review status: criteria provided, single submitter. Criteria: Invitae Variant Classification Sherloc (09022015). Collection method: clinical testing. Allele origin: germline.
Comment: This sequence change replaces valine, which is neutral and non-polar, with methionine, which is neutral and non-polar, at codon 132 of the ATP6AP1 protein (p.Val132Met). This variant is not present in population databases (gnomAD no frequency). In summary, the available evidence is currently insufficient to determine the role of this variant in disease. Therefore, it has been classified as a Variant of Uncertain Significance. Advanced modeling of protein sequence and biophysical properties (such as structural, functional, and spatial information, amino acid conservation, physicochemical variation, residue mobility, and thermodynamic stability) performed at Invitae indicates that this missense variant is not expected to disrupt ATP6AP1 protein function. This variant has not been reported in the literature in individuals affected with ATP6AP1-related conditions.